The following is an entry in ClinVar:

NM_000498.3(CYP11B2):c.955-1G>A

Genes: CYP11B2 (cytochrome P450 family 11 subfamily B member 2; minus strand), LOC106799834 (CYP11B2 recombination region; plus strand). Cytogenetic location: 8q24.3.
Variant type: single nucleotide variant.
Coding change: c.955-1G>A on transcript NM_000498.3 (MANE Select); the canonical splice acceptor site of the intron before coding-DNA position 955, G replaced by A.
Molecular consequence: splice acceptor variant.
Genome position (GRCh38, 1-based): chr8:142,913,452, C>T on the plus strand (G>A on the coding strand, the complement: CYP11B2 is on the minus strand). VCF-style: chr8-142913452-C-T. GRCh37 (hg19) VCF-style: chr8-143994868-C-T.
Identifiers: ClinVar variation 4065659 (VCV004065659.2).

ClinVar aggregate classification (germline): Likely pathogenic (1 of 4 stars; one submission).

Conditions:
Corticosterone methyl oxidase type II deficiency.

Submission:

Natera, Inc.
Classification: Likely pathogenic for Corticosterone methyl oxidase type II deficiency. Last evaluated: 2025-01-30. Review status: criteria provided, single submitter. Criteria: Natera Variant Classification Schema (03/2026). Collection method: clinical testing. Allele origin: germline.
Comment: The c.955-1G>A variant in CYP11B2 is a canonical splice acceptor site variant predicted to affect pre-mRNA splicing, which may result in an abnormal transcript and altered protein product. This variant is expected to result in nonsense mediated decay, truncation, or a dysfunctional protein product. This variant is rare in the general population with a frequency below the threshold expected for the associated phenotype(s). Given the available evidence, this variant is classified as Likely Pathogenic.